The following is an entry in ClinVar:

NM_016151.4(TAOK2):c.3142G>T (p.Ala1048Ser)

Gene: TAOK2 (TAO kinase 2; plus strand). Cytogenetic location: 16p11.2.
Variant type: single nucleotide variant.
Coding change: c.3142G>T on transcript NM_016151.4 (MANE Select); coding-DNA position 3142, G replaced by T.
Protein change: p.Ala1048Ser; replaces alanine 1048 with serine.
Molecular consequence: missense variant. On other transcripts: intron variant (1).
Genome position (GRCh38, 1-based): chr16:29,987,414, G>T. VCF-style: chr16-29987414-G-T. GRCh37 (hg19) VCF-style: chr16-29998735-G-T.
Other names: c.2803G>T, p.Ala935Ser (NM_001252043.2); c.2232+910G>T (NM_004783.4); short protein forms A935S, A1048S.
Identifiers: ClinVar variation 2957661 (VCV002957661.3), dbSNP rs565696351, ClinGen allele CA395498589.
Genomic context (GRCh38, chr16:29,987,414, plus strand): 5'-GCCGTCCTGGGCCTGAGCTGGCGCCGAGGCCTCATGGGTGTTCCCCTGGGCCTTGGAGCT[G>T]CCTGGCTCTTAGCTTGGCCAGGCCTAGCTCTACCTCTGGTGGCTATGGCAGCGGGGGGCA-3'
Protein context (NP_057235.2, residues 1038-1058): LMGVPLGLGA[Ala1048Ser]WLLAWPGLAL

ClinVar aggregate classification (germline): Uncertain significance (1 of 4 stars; one submission).

Submission:

Labcorp Genetics (formerly Invitae), Labcorp
Classification: Uncertain significance. Last evaluated: 2023-06-22. Review status: criteria provided, single submitter. Criteria: Invitae Variant Classification Sherloc (09022015). Collection method: clinical testing. Allele origin: germline.
Comment: This sequence change replaces alanine, which is neutral and non-polar, with serine, which is neutral and polar, at codon 1048 of the TAOK2 protein (p.Ala1048Ser). This variant is not present in population databases (gnomAD no frequency). This variant has not been reported in the literature in individuals affected with TAOK2-related conditions. An algorithm developed to predict the effect of missense changes on protein structure and function (PolyPhen-2) suggests that this variant is likely to be disruptive. In summary, the available evidence is currently insufficient to determine the role of this variant in disease. Therefore, it has been classified as a Variant of Uncertain Significance.